The following is an entry in ClinVar:

NM_001003800.2(BICD2):c.269A>G (p.Lys90Arg)

Gene: BICD2 (BICD cargo adaptor 2; minus strand). Cytogenetic location: 9q22.31.
Variant type: single nucleotide variant.
Coding change: c.269A>G on transcript NM_001003800.2 (MANE Select); coding-DNA position 269, A replaced by G.
Protein change: p.Lys90Arg; replaces lysine 90 with arginine.
Molecular consequence: missense variant.
Genome position (GRCh38, 1-based): chr9:92,729,208, T>C on the plus strand (A>G on the coding strand, the complement: BICD2 is on the minus strand). VCF-style: chr9-92729208-T-C. GRCh37 (hg19) VCF-style: chr9-95491490-T-C.
Other names: c.269A>G, p.Lys90Arg (NM_015250.4); short protein forms K90R.
Identifiers: ClinVar variation 235235 (VCV000235235.51), dbSNP rs61754130, ClinGen allele CA5126852.
Genomic context (GRCh38, chr9:92,729,208, plus strand): 5'-TTGGAGGCCGACTCCTGGATCAGGCTCTCCTCCCGGCTCTCTCCGTCAGCAGCCACCTTC[T>C]TGTGGTTTGTGTGTGCTTGTCCAAAGGCCTGCATCAGAAGACAAGACACTCGTGAGGTGG-3'
Protein context (NP_001003800.1, residues 80-100): EAFGQAHTNH[Lys90Arg]KVAADGESRE

ClinVar aggregate classification (germline): Conflicting classifications of pathogenicity. Review status: criteria provided, conflicting classifications (1 of 4 stars). 11 submissions from 11 submitters: Uncertain significance (1); Benign (5); Likely benign (3). 2 of the submissions do not count toward it. Last evaluated 2026-08-01.

Conditions:
BICD2-related disorder. Also called: BICD2-related condition.
Neuronopathy, distal hereditary motor, autosomal dominant. Also called: Autosomal dominant distal hereditary motor neuropathy. Identifiers: Orphanet 140465, MedGen C5548212, MONDO:0015362.
Inborn genetic diseases. Identifiers: MedGen C0950123, MeSH D030342.
Autosomal dominant childhood-onset proximal spinal muscular atrophy with contractures (SMALED2A). Also called: Spinal muscular atrophy, lower extremity-predominant, 2A, autosomal dominant; SPINAL MUSCULAR ATROPHY, LOWER EXTREMITY-PREDOMINANT, 2A, CHILDHOOD ONSET, AUTOSOMAL DOMINANT. Identifiers: Orphanet 363447, Orphanet 363454, MedGen C4747715, MONDO:0014121, OMIM 615290.
Hereditary spastic paraplegia. Also called: Familial spastic paraparesis. Identifiers: Orphanet 685, MedGen C0037773, MONDO:0019064. Disease mechanism: loss of function.

Allele frequency attached by ClinVar (database versions not stated): gnomAD 0.00437; gnomAD exomes 0.00459 and 0.00573; ExAC 0.00472; 1000 Genomes Project 0.00120; 1000 Genomes Project 30x 0.00141; TOPMed 0.00369; ESP Exome Variant Server 0.00400.
gnomAD v4.1: 8,930 of 1,614,180 alleles (0.55%); highest among the groups gnomAD compares: Non-Finnish European, 0.65%; 35 homozygotes.

Submissions (11):

CeGaT Center for Human Genetics Tuebingen
Classification: Likely benign. Last evaluated: 2026-08-01. Review status: criteria provided, single submitter. Criteria: CeGaT Center For Human Genetics Tuebingen Variant Classification Criteria Version 2. Collection method: clinical testing. Allele origin: germline. Affected: yes. Observed: 18 variant alleles.
Comment: BICD2: PP2, BS2

Labcorp Genetics (formerly Invitae), Labcorp
Classification: Benign for Autosomal dominant childhood-onset proximal spinal muscular atrophy with contractures. Last evaluated: 2026-02-02. Review status: criteria provided, single submitter. Criteria: Invitae Variant Classification Sherloc (09022015). Collection method: clinical testing. Allele origin: germline.

ARUP Laboratories, Molecular Genetics and Genomics, ARUP Laboratories
Classification: Benign. Last evaluated: 2025-04-21. Review status: criteria provided, single submitter. Criteria: ARUP Molecular Germline Variant Investigation Process 2024. Collection method: clinical testing. Allele origin: germline.

Mayo Clinic Laboratories, Mayo Clinic
Classification: Benign. Last evaluated: 2022-07-15. Review status: criteria provided, single submitter. Criteria: ACMG Guidelines, 2015. Collection method: clinical testing. Allele origin: germline. Observed: 16 variant alleles.

Ambry Genetics
Classification: Likely benign for Inborn genetic diseases. Last evaluated: 2020-06-18. Review status: criteria provided, single submitter. Criteria: Ambry Variant Classification Scheme 2023. Collection method: clinical testing. Allele origin: germline.

GeneDx
Classification: Benign. Last evaluated: 2019-09-23. Review status: criteria provided, single submitter. Criteria: GeneDx Variant Classification Process June 2021. Collection method: clinical testing. Allele origin: germline. Affected: yes.
Comment: This variant is associated with the following publications: (PMID: 23664116, 27549087)

Athena Diagnostics
Classification: Benign. Last evaluated: 2017-04-21. Review status: criteria provided, single submitter. Criteria: Athena Diagnostics Criteria. Collection method: clinical testing. Allele origin: germline.

Unit for Genetic & Epidemiological Research on Neurological Disorders, Instituto de Investigação e Inovação em Saúde
Classification: Uncertain significance for Hereditary spastic paraplegia. Last evaluated: 2017-03-07. Review status: criteria provided, single submitter. Criteria: Morais et al. (Eur J Hum Genet. 2017). Collection method: research. Allele origin: inherited. Affected: yes. Observed: 2 variant alleles.

Center for Pediatric Genomic Medicine, Children's Mercy Hospital and Clinics
Classification: Likely benign. Last evaluated: 2016-03-03. Review status: criteria provided, single submitter. Criteria: ACMG Guidelines, 2015. Collection method: clinical testing. Allele origin: germline.
ClinVar note: Converted during submission from Likely Benign to Likely benign.

PreventionGenetics, part of Exact Sciences
Classification: Benign for BICD2-related condition. Last evaluated: 2022-08-30. Review status: no assertion criteria provided. Collection method: clinical testing. Allele origin: germline. Not counted in ClinVar's aggregate classification.
Comment: This variant is classified as benign based on ACMG/AMP sequence variant interpretation guidelines (Richards et al. 2015 PMID: 25741868, with internal and published modifications).

Inherited Neuropathy Consortium
Classification: Benign for Autosomal dominant distal hereditary motor neuropathy. Review status: no assertion criteria provided. Collection method: literature only. Allele origin: germline. Affected: yes. Not counted in ClinVar's aggregate classification.

Literature cited by the submitters: PubMed 23664116 (cited by Athena Diagnostics and Inherited Neuropathy Consortium); PubMed 27549087 (cited by Athena Diagnostics).